The following is an entry in ClinVar:

ClinVar aggregate classification (germline): Benign. Review status: criteria provided, multiple submitters, no conflicts (2 of 4 stars). 3 submissions from 3 submitters: Benign (2). 1 of the submissions does not count toward it. Last evaluated 2018-06-14.

Allele frequency attached by ClinVar (database versions not stated): gnomAD 0.06966 and 0.07267; 1000 Genomes Project 0.07109; 1000 Genomes Project 30x 0.07480; TOPMed 0.07990.
gnomAD v4.1: 46,272 of 1,224,474 alleles (3.8%); highest among the groups gnomAD compares: African/African-American, 17%; 1,689 homozygotes.

Submissions (3):

GeneDx
Classification: Benign. Last evaluated: 2018-06-14. Review status: criteria provided, single submitter. Criteria: GeneDx Variant Classification (06012015). Collection method: clinical testing. Allele origin: germline. Affected: yes.
Comment: This variant is considered likely benign or benign based on one or more of the following criteria: it is a conservative change, it occurs at a poorly conserved position in the protein, it is predicted to be benign by multiple in silico algorithms, and/or has population frequency not consistent with disease.

Breakthrough Genomics
Classification: Benign. Review status: criteria provided, single submitter. Criteria: ACMG Guidelines, 2015. Collection method: not provided. Allele origin: germline. Inheritance: Autosomal recessive inheritance. Affected: yes.

RYR1 database
No classification provided. Review status: no classification provided. Collection method: not provided. Allele origin: unknown. Not counted in ClinVar's aggregate classification.

NM_000540.3(RYR1):c.8400+61C>T

Genes: RYR1 (ryanodine receptor 1; plus strand), LOC126862902 (BRD4-independent group 4 enhancer GRCh37_chr19:38995830-38997029; plus strand). Cytogenetic location: 19q13.2.
Variant type: single nucleotide variant.
Coding change: c.8400+61C>T on transcript NM_000540.3 (MANE Select); 61 bases into the intron after coding-DNA position 8400, C replaced by T.
Molecular consequence: intron variant.
Genome position (GRCh38, 1-based): chr19:38,505,459, C>T. VCF-style: chr19-38505459-C-T. GRCh37 (hg19) VCF-style: chr19-38996099-C-T.
Other names: c.8400+61C>T (NM_001042723.2).
Identifiers: ClinVar variation 133225 (VCV000133225.3), dbSNP rs2960341, ClinGen allele CA024919.
Genomic context (GRCh38, chr19:38,505,459, plus strand): 5'-GTGACCAGGCCTTGGGGCCCAGCATTGAGGGTCAAAATGAAACCCCCAAATTTGAGGATT[C>T]GGGGAGGAGTGAGGCAATTTCACATGTTTGCATCTAGGTGGATCTGTGGGTTAGGTCTCC-3'